The following is an entry in ClinVar:

NM_006904.7(PRKDC):c.3023C>T (p.Ala1008Val)

Gene: PRKDC (protein kinase, DNA-activated, catalytic subunit; minus strand). Cytogenetic location: 8q11.21.
Variant type: single nucleotide variant.
Coding change: c.3023C>T on transcript NM_006904.7 (MANE Select); coding-DNA position 3023, C replaced by T.
Protein change: p.Ala1008Val; replaces alanine 1008 with valine.
Molecular consequence: missense variant.
Genome position (GRCh38, 1-based): chr8:47,904,888, G>A on the plus strand (C>T on the coding strand, the complement: PRKDC is on the minus strand). VCF-style: chr8-47904888-G-A. GRCh37 (hg19) VCF-style: chr8-48817448-G-A.
Other names: c.3023C>T, p.Ala1008Val (NM_001081640.2); c.3023C>T (NM_006904.6); short protein forms A1008V.
Identifiers: ClinVar variation 1392735 (VCV001392735.7), dbSNP rs2154502450, ClinGen allele CA371157255.

ClinVar aggregate classification (germline): Uncertain significance. Review status: criteria provided, multiple submitters, no conflicts (2 of 4 stars). 2 submissions from 2 submitters: Uncertain significance (2). Last evaluated 2024-10-28.

Conditions:
Severe combined immunodeficiency due to DNA-PKcs deficiency. Also called: IMMUNODEFICIENCY 26 WITH NEUROLOGIC ABNORMALITIES; Immunodeficiency 26 with or without neurologic abnormalities. Identifiers: Orphanet 317425, MedGen C4014833, MONDO:0014423, OMIM 615966.

gnomAD v4.1: 1 of 1,608,632 alleles (0.000062%); highest among the groups gnomAD compares: East Asian, 0.0022%; no homozygotes.

Submissions (2):

Labcorp Genetics (formerly Invitae), Labcorp
Classification: Uncertain significance for Severe combined immunodeficiency due to DNA-PKcs deficiency. Last evaluated: 2024-10-28. Review status: criteria provided, single submitter. Criteria: Invitae Variant Classification Sherloc (09022015). Collection method: clinical testing. Allele origin: germline.
Comment: This sequence change replaces alanine, which is neutral and non-polar, with valine, which is neutral and non-polar, at codon 1008 of the PRKDC protein (p.Ala1008Val). This variant is not present in population databases (gnomAD no frequency). This variant has not been reported in the literature in individuals affected with PRKDC-related conditions. ClinVar contains an entry for this variant (Variation ID: 1392735). Invitae Evidence Modeling of protein sequence and biophysical properties (such as structural, functional, and spatial information, amino acid conservation, physicochemical variation, residue mobility, and thermodynamic stability) indicates that this missense variant is not expected to disrupt PRKDC protein function with a negative predictive value of 80%. In summary, the available evidence is currently insufficient to determine the role of this variant in disease. Therefore, it has been classified as a Variant of Uncertain Significance.

Ambry Genetics
Classification: Uncertain significance. Last evaluated: 2024-10-13. Review status: criteria provided, single submitter. Criteria: Ambry Variant Classification Scheme 2023. Collection method: clinical testing. Allele origin: germline.
Comment: The p.A1008V variant (also known as c.3023C>T), located in coding exon 26 of the PRKDC gene, results from a C to T substitution at nucleotide position 3023. The alanine at codon 1008 is replaced by valine, an amino acid with similar properties. This amino acid position is conserved. In addition, this alteration is predicted to be tolerated by in silico analysis. Based on the available evidence, the clinical significance of this variant remains unclear.